The following is an entry in ClinVar:

ClinVar aggregate classification (germline): Uncertain significance (1 of 4 stars; one submission).

Conditions:
Familial melanoma. Also called: Hereditary melanoma; Hereditary cutaneous melanoma. Identifiers: Orphanet 618, MedGen C1512419, MONDO:0018961.

Submission:

Labcorp Genetics (formerly Invitae), Labcorp
Classification: Uncertain significance for Familial melanoma. Last evaluated: 2022-01-26. Review status: criteria provided, single submitter. Criteria: Invitae Variant Classification Sherloc (09022015). Collection method: clinical testing. Allele origin: germline.
Comment: This variant is not present in population databases (gnomAD no frequency). This sequence change replaces tryptophan, which is neutral and slightly polar, with cysteine, which is neutral and slightly polar, at codon 179 of the CDK4 protein (p.Trp179Cys). This variant has not been reported in the literature in individuals affected with CDK4-related conditions. In summary, the available evidence is currently insufficient to determine the role of this variant in disease. Therefore, it has been classified as a Variant of Uncertain Significance. Advanced modeling of protein sequence and biophysical properties (such as structural, functional, and spatial information, amino acid conservation, physicochemical variation, residue mobility, and thermodynamic stability) performed at Invitae indicates that this missense variant is expected to disrupt CDK4 protein function.

NM_000075.4(CDK4):c.537G>C (p.Trp179Cys)

Gene: CDK4 (cyclin dependent kinase 4; minus strand). Cytogenetic location: 12q14.1.
Variant type: single nucleotide variant.
Coding change: c.537G>C on transcript NM_000075.4 (MANE Select); coding-DNA position 537, G replaced by C.
Protein change: p.Trp179Cys; replaces tryptophan 179 with cysteine.
Molecular consequence: missense variant.
Genome position (GRCh38, 1-based): chr12:57,750,751, C>G on the plus strand (G>C on the coding strand, the complement: CDK4 is on the minus strand). VCF-style: chr12-57750751-C-G. GRCh37 (hg19) VCF-style: chr12-58144534-C-G.
Other names: short protein forms W179C.
Identifiers: ClinVar variation 1524020 (VCV001524020.8), dbSNP rs2140385865, ClinGen allele CA385545968.